The following is an entry in ClinVar:

ClinVar aggregate classification (germline): Uncertain significance. Review status: criteria provided, multiple submitters, no conflicts (2 of 4 stars). 2 submissions from 2 submitters: Uncertain significance (2). Last evaluated 2025-06-27.

Conditions:
Inborn genetic diseases. Identifiers: MedGen C0950123, MeSH D030342.

Allele frequency attached by ClinVar (database versions not stated): gnomAD exomes below 0.00001; TOPMed 0.00002.
gnomAD v4.1: 10 of 1,613,944 alleles (0.00062%); highest among the groups gnomAD compares: Non-Finnish European, 0.00085%; no homozygotes.

Submissions (2):

Mayo Clinic Laboratories, Mayo Clinic
Classification: Uncertain significance. Last evaluated: 2025-06-27. Review status: criteria provided, single submitter. Criteria: ACMG Guidelines, 2015. Collection method: clinical testing. Allele origin: germline. Observed: 1 variant allele.
Comment: BP4_moderate

Ambry Genetics
Classification: Uncertain significance for Inborn genetic diseases. Last evaluated: 2021-10-29. Review status: criteria provided, single submitter. Criteria: Ambry Variant Classification Scheme 2023. Collection method: clinical testing. Allele origin: germline.

NM_003850.3(SUCLA2):c.917A>G (p.Lys306Arg)

Gene: SUCLA2 (succinate-CoA ligase ADP-forming subunit beta; minus strand). Cytogenetic location: 13q14.2.
Variant type: single nucleotide variant.
Coding change: c.917A>G on transcript NM_003850.3 (MANE Select); coding-DNA position 917, A replaced by G.
Protein change: p.Lys306Arg; replaces lysine 306 with arginine.
Molecular consequence: missense variant.
Genome position (GRCh38, 1-based): chr13:47,954,443, T>C on the plus strand (A>G on the coding strand, the complement: SUCLA2 is on the minus strand). VCF-style: chr13-47954443-T-C. GRCh37 (hg19) VCF-style: chr13-48528578-T-C.
Other names: p.Lys306Arg; short protein forms K306R.
Identifiers: ClinVar variation 2205547 (VCV002205547.3), dbSNP rs1327900541, ClinGen allele CA388145573.